The following is an entry in ClinVar:

ClinVar aggregate classification (germline): Uncertain significance (1 of 4 stars; one submission).

Submission:

Ambry Genetics
Classification: Uncertain significance. Last evaluated: 2021-12-11. Review status: criteria provided, single submitter. Criteria: Ambry Variant Classification Scheme 2023. Collection method: clinical testing. Allele origin: germline.
Comment: The p.K102Q variant (also known as c.304A>C), located in coding exon 1 of the EGLN2 gene, results from an A to C substitution at nucleotide position 304. The lysine at codon 102 is replaced by glutamine, an amino acid with similar properties. This amino acid position is conserved. In addition, this alteration is predicted to be tolerated by in silico analysis. Since supporting evidence is limited at this time, the clinical significance of this alteration remains unclear.

NM_080732.4(EGLN2):c.304A>C (p.Lys102Gln)

Genes: EGLN2 (egl-9 family hypoxia inducible factor 2; plus strand), RAB4B-EGLN2 (RAB4B-EGLN2 readthrough (NMD candidate); plus strand). Cytogenetic location: 19q13.2.
Variant type: single nucleotide variant.
Coding change: c.304A>C on transcript NM_080732.4 (MANE Select); coding-DNA position 304, A replaced by C.
Protein change: p.Lys102Gln; replaces lysine 102 with glutamine.
Molecular consequence: missense variant. On other transcripts: non-coding transcript variant (1).
Genome position (GRCh38, 1-based): chr19:40,800,876, A>C. VCF-style: chr19-40800876-A-C. GRCh37 (hg19) VCF-style: chr19-41306781-A-C.
Other names: c.304A>C, p.Lys102Gln (NM_053046.4); short protein forms K102Q.
Identifiers: ClinVar variation 1799229 (VCV001799229.2), dbSNP rs2515993497, ClinGen allele CA405954974.